The following is an entry in ClinVar:

ClinVar aggregate classification (germline): Uncertain significance (1 of 4 stars; one submission).

Conditions:
Pierpont syndrome (PRPTS). Identifiers: Orphanet 487825, MedGen C1865644, MONDO:0011213, OMIM 602342.

Allele frequency attached by ClinVar (database versions not stated): TOPMed below 0.00001; gnomAD 0.00001.
gnomAD v4.1: 1 of 1,612,686 alleles (0.000062%); highest among the groups gnomAD compares: African/African-American, 0.0013%; no homozygotes.

Submission:

Labcorp Genetics (formerly Invitae), Labcorp
Classification: Uncertain significance for Pierpont syndrome. Last evaluated: 2023-12-12. Review status: criteria provided, single submitter. Criteria: Invitae Variant Classification Sherloc (09022015). Collection method: clinical testing. Allele origin: germline.
Comment: This sequence change replaces threonine, which is neutral and polar, with alanine, which is neutral and non-polar, at codon 238 of the TBL1XR1 protein (p.Thr238Ala). This variant is not present in population databases (gnomAD no frequency). This variant has not been reported in the literature in individuals affected with TBL1XR1-related conditions. Advanced modeling of protein sequence and biophysical properties (such as structural, functional, and spatial information, amino acid conservation, physicochemical variation, residue mobility, and thermodynamic stability) performed at Invitae indicates that this missense variant is not expected to disrupt TBL1XR1 protein function with a negative predictive value of 95%. In summary, the available evidence is currently insufficient to determine the role of this variant in disease. Therefore, it has been classified as a Variant of Uncertain Significance.

NM_024665.7(TBL1XR1):c.712A>G (p.Thr238Ala)

Genes: TBL1XR1 (TBL1X/Y related 1; minus strand), TBL1XR1-AS1 (TBL1XR1 antisense RNA 1; plus strand). Cytogenetic location: 3q26.32.
Variant type: single nucleotide variant.
Coding change: c.712A>G on transcript NM_024665.7 (MANE Select); coding-DNA position 712, A replaced by G.
Protein change: p.Thr238Ala; replaces threonine 238 with alanine.
Molecular consequence: missense variant.
Genome position (GRCh38, 1-based): chr3:177,047,540, T>C on the plus strand (A>G on the coding strand, the complement: TBL1XR1 is on the minus strand). VCF-style: chr3-177047540-T-C. GRCh37 (hg19) VCF-style: chr3-176765328-T-C.
Other names: c.712A>G, p.Thr238Ala (NM_001321193.3, NM_001321194.3, NM_001374327.1 and 2 more transcripts); c.451A>G, p.Thr151Ala (NM_001321195.3, NM_001374330.1); short protein forms T238A, T151A.
Identifiers: ClinVar variation 3013772 (VCV003013772.3), dbSNP rs1716484332, ClinGen allele CA355552338.
Genomic context (GRCh38, chr3:177,047,540, plus strand): 5'-ATTTACCATCTTTAGTCCATATTCTGGCAAACCCATCATAGGAACCAGTTGCTAGAAGTG[T>C]ACCTTCACTCTGCCAGAGAAAAACATTTCTTTAATTATATAATCTAGATACGGTATTTAA-3'
Protein context (NP_078941.2, residues 228-248): VTSLDWNSEG[Thr238Ala]LLATGSYDGF